The following is an entry in ClinVar:

ClinVar aggregate classification (germline): Uncertain significance (1 of 4 stars; one submission).

Conditions:
Carney complex, type 1 (CNC1). Also called: CARNEY MYXOMA-ENDOCRINE COMPLEX; CARNEY COMPLEX, TYPE I. Identifiers: Orphanet 1359, MedGen C2607929, MONDO:0008057, OMIM 160980.

Submission:

Labcorp Genetics (formerly Invitae), Labcorp
Classification: Uncertain significance for Carney complex, type 1. Last evaluated: 2024-10-18. Review status: criteria provided, single submitter. Criteria: Invitae Variant Classification Sherloc (09022015). Collection method: clinical testing. Allele origin: germline.
Comment: This sequence change replaces alanine, which is neutral and non-polar, with aspartic acid, which is acidic and polar, at codon 127 of the PRKAR1A protein (p.Ala127Asp). This variant is not present in population databases (gnomAD no frequency). This variant has not been reported in the literature in individuals affected with PRKAR1A-related conditions. Invitae Evidence Modeling of protein sequence and biophysical properties (such as structural, functional, and spatial information, amino acid conservation, physicochemical variation, residue mobility, and thermodynamic stability) has been performed for this missense variant. However, the output from this modeling did not meet the statistical confidence thresholds required to predict the impact of this variant on PRKAR1A protein function. In summary, the available evidence is currently insufficient to determine the role of this variant in disease. Therefore, it has been classified as a Variant of Uncertain Significance.

NM_002734.5(PRKAR1A):c.380C>A (p.Ala127Asp)

Gene: PRKAR1A (protein kinase cAMP-dependent type I regulatory subunit alpha; plus strand). Cytogenetic location: 17q24.2.
Variant type: single nucleotide variant.
Coding change: c.380C>A on transcript NM_002734.5 (MANE Select); coding-DNA position 380, C replaced by A.
Protein change: p.Ala127Asp; replaces alanine 127 with aspartic acid.
Molecular consequence: missense variant.
Genome position (GRCh38, 1-based): chr17:68,523,756, C>A. VCF-style: chr17-68523756-C-A. GRCh37 (hg19) VCF-style: chr17-66519897-C-A.
Other names: c.380C>A, p.Ala127Asp (NM_001276289.2, NM_001276290.1, NM_001278433.2 and 4 more transcripts); short protein forms A127D.
Identifiers: ClinVar variation 3720814 (VCV003720814.2).